The following is an entry in ClinVar:

ClinVar aggregate classification (germline): Benign (1 of 4 stars; one submission).

Conditions:
Peutz-Jeghers syndrome (PJS). Also called: POLYPOSIS, HAMARTOMATOUS INTESTINAL; POLYPS-AND-SPOTS SYNDROME; Peutz-Jeghers polyposis; Periorificial lentiginosis syndrome. Identifiers: Orphanet 2869, MedGen C0031269, MeSH D010580, MONDO:0008280, OMIM 175200.

gnomAD v4.1: 1 of 1,603,596 alleles (0.000062%); highest among the groups gnomAD compares: Non-Finnish European, 0.000085%; no homozygotes.

Submission:

Myriad Genetics, Inc.
Classification: Benign for Peutz-Jeghers syndrome. Last evaluated: 2025-03-25. Review status: criteria provided, single submitter. Criteria: Myriad Autosomal Dominant, Autosomal Recessive and X-Linked Classification Criteria (2023). Collection method: clinical testing. Allele origin: unknown.
Comment: This variant is considered benign. This variant is a silent/synonymous amino acid change and it is not expected to impact splicing.

NM_000455.5(STK11):c.282C>T (p.Asn94=)

Gene: STK11 (serine/threonine kinase 11; plus strand). Cytogenetic location: 19p13.3.
Variant type: single nucleotide variant.
Coding change: c.282C>T on transcript NM_000455.5 (MANE Select); coding-DNA position 282, C replaced by T.
Protein change: p.Asn94=; no amino-acid change (asparagine 94 retained).
Molecular consequence: synonymous variant. On other transcripts: non-coding transcript variant (1).
Genome position (GRCh38, 1-based): chr19:1,207,195, C>T. VCF-style: chr19-1207195-C-T. GRCh37 (hg19) VCF-style: chr19-1207194-C-T.
Other names: c.282C>T, p.Asn94= (NM_001407255.1).
Identifiers: ClinVar variation 3903608 (VCV003903608.1).